The following is an entry in ClinVar:

ClinVar aggregate classification (germline): Uncertain significance (1 of 4 stars; one submission).

Conditions:
Retinoblastoma (RB1). Also called: RETINOBLASTOMA, SOMATIC. Identifiers: Orphanet 790, MedGen C0035335, MeSH D012175, MONDO:0008380, OMIM 180200, HP:0009919. Disease mechanism: loss of function. Inheritance: Both sporadic and heritable forms are tested..

Allele frequency attached by ClinVar (database versions not stated): gnomAD 0.00001; TOPMed 0.00001.
gnomAD v4.1: 22 of 1,494,942 alleles (0.0015%); highest among the groups gnomAD compares: Middle Eastern, 0.047%; no homozygotes.

Submission:

Labcorp Genetics (formerly Invitae), Labcorp
Classification: Uncertain significance for Retinoblastoma. Last evaluated: 2026-01-26. Review status: criteria provided, single submitter. Criteria: Invitae Variant Classification Sherloc (09022015). Collection method: clinical testing. Allele origin: germline.
Comment: This variant occurs in a non-coding region of the RB1 gene. It does not change the encoded amino acid sequence of the RB1 protein. This variant is not present in population databases (gnomAD no frequency). This variant has not been reported in the literature in individuals affected with RB1-related conditions. ClinVar contains an entry for this variant (Variation ID: 2693858). In summary, the available evidence is currently insufficient to determine the role of this variant in disease. Therefore, it has been classified as a Variant of Uncertain Significance.

NM_000321.3(RB1):c.-65T>G

Gene: RB1 (RB transcriptional corepressor 1; plus strand). Cytogenetic location: 13q14.2.
Variant type: single nucleotide variant.
Coding change: c.-65T>G on transcript NM_000321.3 (MANE Select); 65 bases upstream of the start codon, T replaced by G.
Molecular consequence: 5 prime UTR variant.
Genome position (GRCh38, 1-based): chr13:48,303,848, T>G. VCF-style: chr13-48303848-T-G. GRCh37 (hg19) VCF-style: chr13-48877984-T-G.
Other names: c.-65T>G (NM_001407165.1, NM_001407166.1, NM_001407167.1).
Identifiers: ClinVar variation 2693858 (VCV002693858.3), dbSNP rs1593411786, ClinGen allele CA955794760.